The following is an entry in ClinVar:

ClinVar aggregate classification (germline): Uncertain significance. Review status: criteria provided, multiple submitters, no conflicts (2 of 4 stars). 2 submissions from 2 submitters: Uncertain significance (2). Last evaluated 2024-04-18.

Conditions:
Cardiovascular phenotype. Identifiers: MedGen CN230736.

Allele frequency attached by ClinVar (database versions not stated): gnomAD exomes below 0.00001; gnomAD 0.00001; TOPMed 0.00001.
gnomAD v4.1: 3 of 1,549,930 alleles (0.00019%); highest among the groups gnomAD compares: South Asian, 0.0012%; no homozygotes.

Submissions (2):

Ambry Genetics
Classification: Uncertain significance for Cardiovascular phenotype. Last evaluated: 2024-04-18. Review status: criteria provided, single submitter. Criteria: Ambry Variant Classification Scheme 2023. Collection method: clinical testing. Allele origin: germline.
Comment: The p.N3689S variant (also known as c.11066A>G), located in coding exon 2 of the ZNF469 gene, results from an A to G substitution at nucleotide position 11066. The asparagine at codon 3689 is replaced by serine, an amino acid with highly similar properties. This amino acid position is conserved. In addition, this alteration is predicted to be tolerated by in silico analysis. Based on the available evidence, the clinical significance of this variant remains unclear.

Labcorp Genetics (formerly Invitae), Labcorp
Classification: Uncertain significance. Last evaluated: 2022-03-18. Review status: criteria provided, single submitter. Criteria: Invitae Variant Classification Sherloc (09022015). Collection method: clinical testing. Allele origin: germline.
Comment: This sequence change replaces asparagine, which is neutral and polar, with serine, which is neutral and polar, at codon 3689 of the ZNF469 protein (p.Asn3689Ser). This variant is present in population databases (no rsID available, gnomAD 0.002%). This variant has not been reported in the literature in individuals affected with ZNF469-related conditions. Algorithms developed to predict the effect of missense changes on protein structure and function (SIFT, PolyPhen-2, Align-GVGD) all suggest that this variant is likely to be tolerated. In summary, the available evidence is currently insufficient to determine the role of this variant in disease. Therefore, it has been classified as a Variant of Uncertain Significance.

NM_001367624.2(ZNF469):c.11150A>G (p.Asn3717Ser)

Gene: ZNF469 (zinc finger protein 469; plus strand). Cytogenetic location: 16q24.2.
Variant type: single nucleotide variant.
Coding change: c.11150A>G on transcript NM_001367624.2 (MANE Select); coding-DNA position 11150, A replaced by G.
Protein change: p.Asn3717Ser; replaces asparagine 3717 with serine.
Molecular consequence: missense variant.
Genome position (GRCh38, 1-based): chr16:88,438,620, A>G. VCF-style: chr16-88438620-A-G. GRCh37 (hg19) VCF-style: chr16-88505028-A-G.
Other names: NM_001127464.1:c.11066A>G; short protein forms N3717S.
Identifiers: ClinVar variation 2052989 (VCV002052989.2), dbSNP rs1292563319, ClinGen allele CA397129151.